The following is an entry in ClinVar:

NM_000685.5(AGTR1):c.308T>C (p.Ile103Thr)

Gene: AGTR1 (angiotensin II receptor type 1; plus strand). Cytogenetic location: 3q24.
Variant type: single nucleotide variant.
Coding change: c.308T>C on transcript NM_000685.5 (MANE Select); coding-DNA position 308, T replaced by C.
Protein change: p.Ile103Thr; replaces isoleucine 103 with threonine.
Molecular consequence: missense variant.
Genome position (GRCh38, 1-based): chr3:148,741,343, T>C. VCF-style: chr3-148741343-T-C. GRCh37 (hg19) VCF-style: chr3-148459130-T-C.
Other names: c.308T>C, p.Ile103Thr (NM_001382736.1, NM_001382737.1, NM_004835.5 and 3 more transcripts); c.308T>C (NM_000685.4); short protein forms I138T, I103T.
Identifiers: ClinVar variation 343669 (VCV000343669.10), dbSNP rs145708722, ClinGen allele CA2657307.
Genomic context (GRCh38, chr3:148,741,343, plus strand): 5'-TATGGGCTGTCTACACAGCTATGGAATACCGCTGGCCCTTTGGCAATTACCTATGTAAGA[T>C]TGCTTCAGCCAGCGTCAGTTTCAACCTGTACGCTAGTGTGTTTCTACTCACGTGTCTCAG-3'
Protein context (NP_000676.1, residues 93-113): RWPFGNYLCK[Ile103Thr]ASASVSFNLY

ClinVar aggregate classification (germline): Uncertain significance. Review status: criteria provided, multiple submitters, no conflicts (2 of 4 stars). 3 submissions from 3 submitters: Uncertain significance (2). 1 of the submissions does not count toward it. Last evaluated 2023-12-21.

Conditions:
AGTR1-related disorder. Also called: AGTR1-related condition.
Renal tubular dysgenesis. Also called: Renotubular dysgenesis. Identifiers: Orphanet 3033, MedGen C0266313, MONDO:0017609, HP:0008660.

Allele frequency attached by ClinVar (database versions not stated): 1000 Genomes Project 0.00020; 1000 Genomes Project 30x 0.00031; TOPMed 0.00069; ExAC 0.00075; gnomAD 0.00075 and 0.00080; gnomAD exomes 0.00080 and 0.00128; ESP Exome Variant Server 0.00123.

Submissions (3):

Labcorp Genetics (formerly Invitae), Labcorp
Classification: Uncertain significance. Last evaluated: 2023-12-21. Review status: criteria provided, single submitter. Criteria: Invitae Variant Classification Sherloc (09022015). Collection method: clinical testing. Allele origin: germline.
Comment: This sequence change replaces isoleucine, which is neutral and non-polar, with threonine, which is neutral and polar, at codon 138 of the AGTR1 protein (p.Ile138Thr). This variant is present in population databases (rs145708722, gnomAD 0.2%), and has an allele count higher than expected for a pathogenic variant. This variant has not been reported in the literature in individuals affected with AGTR1-related conditions. ClinVar contains an entry for this variant (Variation ID: 343669). Experimental studies and prediction algorithms are not available or were not evaluated, and the functional significance of this variant is currently unknown. In summary, the available evidence is currently insufficient to determine the role of this variant in disease. Therefore, it has been classified as a Variant of Uncertain Significance.

Illumina Laboratory Services, Illumina
Classification: Uncertain significance for Renal tubular dysgenesis of genetic origin. Last evaluated: 2018-01-13. Review status: criteria provided, single submitter. Criteria: ICSL Variant Classification Criteria 13 December 2019. Collection method: clinical testing. Allele origin: germline.

PreventionGenetics, part of Exact Sciences
Classification: Likely benign for AGTR1-related condition. Last evaluated: 2022-09-22. Review status: no assertion criteria provided. Collection method: clinical testing. Allele origin: germline. Not counted in ClinVar's aggregate classification.
Comment: This variant is classified as likely benign based on ACMG/AMP sequence variant interpretation guidelines (Richards et al. 2015 PMID: 25741868, with internal and published modifications).